The following is an entry in ClinVar:

ClinVar aggregate classification (germline): Uncertain significance (1 of 4 stars; one submission).

Submission:

GeneDx
Classification: Uncertain significance. Last evaluated: 2023-06-07. Review status: criteria provided, single submitter. Criteria: GeneDx Variant Classification Process June 2021. Collection method: clinical testing. Allele origin: germline. Affected: yes.
Comment: Not observed at significant frequency in large population cohorts (gnomAD); In silico analysis supports that this missense variant has a deleterious effect on protein structure/function; Has not been previously published as pathogenic or benign to our knowledge

NM_001114748.2(TMEM240):c.104A>C (p.His35Pro)

Gene: TMEM240 (transmembrane protein 240; minus strand). Cytogenetic location: 1p36.33.
Variant type: single nucleotide variant.
Coding change: c.104A>C on transcript NM_001114748.2 (MANE Select); coding-DNA position 104, A replaced by C.
Protein change: p.His35Pro; replaces histidine 35 with proline.
Molecular consequence: missense variant.
Genome position (GRCh38, 1-based): chr1:1,539,744, T>G on the plus strand (A>C on the coding strand, the complement: TMEM240 is on the minus strand). VCF-style: chr1-1539744-T-G. GRCh37 (hg19) VCF-style: chr1-1475124-T-G.
Other names: short protein forms H35P.
Identifiers: ClinVar variation 3359463 (VCV003359463.1).